The following is an entry in ClinVar:

NM_004370.6(COL12A1):c.4394C>T (p.Pro1465Leu)

Gene: COL12A1 (collagen type XII alpha 1 chain; minus strand). Cytogenetic location: 6q13.
Variant type: single nucleotide variant.
Coding change: c.4394C>T on transcript NM_004370.6 (MANE Select); coding-DNA position 4394, C replaced by T.
Protein change: p.Pro1465Leu; replaces proline 1465 with leucine.
Molecular consequence: missense variant.
Genome position (GRCh38, 1-based): chr6:75,147,698, G>A on the plus strand (C>T on the coding strand, the complement: COL12A1 is on the minus strand). VCF-style: chr6-75147698-G-A. GRCh37 (hg19) VCF-style: chr6-75857414-G-A.
Other names: c.4394C>T, p.Pro1465Leu (NM_001424113.1, NM_001424114.1); c.4121C>T, p.Pro1374Leu (NM_001424115.1); c.902C>T, p.Pro301Leu (NM_001424116.1, NM_080645.3); short protein forms P1374L, P1465L, P301L.
Identifiers: ClinVar variation 2948017 (VCV002948017.3), dbSNP rs1767269030, ClinGen allele CA364744556.

ClinVar aggregate classification (germline): Uncertain significance (1 of 4 stars; one submission).

Conditions:
Ullrich congenital muscular dystrophy 2 (UCMD2). Identifiers: Orphanet 75840, MedGen C4225314, MONDO:0014654, OMIM 616470.
Bethlem myopathy 2 (BTHLM2). Identifiers: Orphanet 536516, Orphanet 610, MedGen C4225313, MONDO:0034022, OMIM 616471.

Allele frequency attached by ClinVar (database versions not stated): TOPMed below 0.00001; gnomAD 0.00001.
gnomAD v4.1: 1 of 1,610,478 alleles (0.000062%); highest among the groups gnomAD compares: Non-Finnish European, 0.000085%; no homozygotes.

Submission:

Labcorp Genetics (formerly Invitae), Labcorp
Classification: Uncertain significance for Bethlem myopathy 2; Ullrich congenital muscular dystrophy 2. Last evaluated: 2023-05-20. Review status: criteria provided, single submitter. Criteria: Invitae Variant Classification Sherloc (09022015). Collection method: clinical testing. Allele origin: germline.
Comment: This variant is not present in population databases (gnomAD no frequency). This variant has not been reported in the literature in individuals affected with COL12A1-related conditions. Advanced modeling of protein sequence and biophysical properties (such as structural, functional, and spatial information, amino acid conservation, physicochemical variation, residue mobility, and thermodynamic stability) has been performed at Invitae for this missense variant, however the output from this modeling did not meet the statistical confidence thresholds required to predict the impact of this variant on COL12A1 protein function. In summary, the available evidence is currently insufficient to determine the role of this variant in disease. Therefore, it has been classified as a Variant of Uncertain Significance. This sequence change replaces proline, which is neutral and non-polar, with leucine, which is neutral and non-polar, at codon 1465 of the COL12A1 protein (p.Pro1465Leu).